The following is an entry in ClinVar:

NM_007259.5(VPS45):c.982G>C (p.Val328Leu)

Gene: VPS45 (vacuolar protein sorting 45 homolog; plus strand). Cytogenetic location: 1q21.2.
Variant type: single nucleotide variant.
Coding change: c.982G>C on transcript NM_007259.5 (MANE Select); coding-DNA position 982, G replaced by C.
Protein change: p.Val328Leu; replaces valine 328 with leucine.
Molecular consequence: missense variant. On other transcripts: non-coding transcript variant (1).
Genome position (GRCh38, 1-based): chr1:150,082,761, G>C. VCF-style: chr1-150082761-G-C. GRCh37 (hg19) VCF-style: chr1-150054845-G-C.
Other names: c.667G>C, p.Val223Leu (NM_001279353.2); c.874G>C, p.Val292Leu (NM_001279354.2); short protein forms V223L, V292L, V328L.
Identifiers: ClinVar variation 2418779 (VCV002418779.3), dbSNP rs781924923, ClinGen allele CA342252344.

ClinVar aggregate classification (germline): Uncertain significance (1 of 4 stars; one submission).

Conditions:
Congenital neutropenia-myelofibrosis-nephromegaly syndrome. Also called: Severe congenital neutropenia 5, autosomal recessive. Identifiers: Orphanet 369852, MedGen C3809031, MONDO:0014118, OMIM 615285.

Submission:

Labcorp Genetics (formerly Invitae), Labcorp
Classification: Uncertain significance for Congenital neutropenia-myelofibrosis-nephromegaly syndrome. Last evaluated: 2022-03-23. Review status: criteria provided, single submitter. Criteria: Invitae Variant Classification Sherloc (09022015). Collection method: clinical testing. Allele origin: germline.
Comment: This sequence change replaces valine, which is neutral and non-polar, with leucine, which is neutral and non-polar, at codon 328 of the VPS45 protein (p.Val328Leu). This variant is not present in population databases (gnomAD no frequency). This variant has not been reported in the literature in individuals affected with VPS45-related conditions. Algorithms developed to predict the effect of missense changes on protein structure and function (SIFT, PolyPhen-2, Align-GVGD) all suggest that this variant is likely to be disruptive. In summary, the available evidence is currently insufficient to determine the role of this variant in disease. Therefore, it has been classified as a Variant of Uncertain Significance.